The following is an entry in ClinVar:

NM_001371623.1(TCOF1):c.3394G>A (p.Glu1132Lys)

Gene: TCOF1 (treacle ribosome biogenesis factor 1; plus strand). Cytogenetic location: 5q32.
Variant type: single nucleotide variant.
Coding change: c.3394G>A on transcript NM_001371623.1 (MANE Select); coding-DNA position 3394, G replaced by A.
Protein change: p.Glu1132Lys; replaces glutamic acid 1132 with lysine.
Molecular consequence: missense variant.
Genome position (GRCh38, 1-based): chr5:150,392,053, G>A. VCF-style: chr5-150392053-G-A. GRCh37 (hg19) VCF-style: chr5-149771616-G-A.
Other names: c.3163G>A, p.Glu1055Lys (NM_001135245.2, NM_000356.4); c.3280G>A, p.Glu1094Lys (NM_001195141.2, NM_001135244.2); c.3160G>A, p.Glu1054Lys (NM_001437406.1); c.3394G>A, p.Glu1132Lys (NM_001135243.2); short protein forms E1054K, E1055K, E1094K, E1132K.
Identifiers: ClinVar variation 4881116 (VCV004881116.2).

ClinVar aggregate classification (germline): Uncertain significance (1 of 4 stars; one submission).

Submission:

Dasa
Classification: Uncertain significance. Last evaluated: 2024-07-22. Review status: criteria provided, single submitter. Criteria: DASA Assertion Criteria. Collection method: clinical testing. Allele origin: germline.
Comment: NM_001371623.1(TCOF1):c.3394G>A (p.Glu1132Lys) is a missense variant that results in the substitution of glutamic acid with lysine. This variant is absent from population databases. Computational prediction algorithms are consistent with a benign effect. The currently available literature and clinical evidence are not sufficient to establish a definitive association between this variant and the reported condition. Therefore, this variant is classified as a variant of uncertain significance.